The following is an entry in ClinVar:

ClinVar aggregate classification (germline): Uncertain significance. Review status: criteria provided, multiple submitters, no conflicts (2 of 4 stars). 3 submissions from 3 submitters: Uncertain significance (3). Last evaluated 2025-09-03.

Conditions:
Inborn genetic diseases. Identifiers: MedGen C0950123, MeSH D030342.

Allele frequency attached by ClinVar (database versions not stated): gnomAD 0.00003 and 0.00004; gnomAD exomes 0.00004; TOPMed 0.00004; ExAC 0.00008; 1000 Genomes Project 30x 0.00016; 1000 Genomes Project 0.00020.
gnomAD v4.1: 72 of 1,613,608 alleles (0.0045%); highest among the groups gnomAD compares: Middle Eastern, 0.05%; no homozygotes.

Submissions (3):

Labcorp Genetics (formerly Invitae), Labcorp
Classification: Uncertain significance. Last evaluated: 2025-09-03. Review status: criteria provided, single submitter. Criteria: Invitae Variant Classification Sherloc (09022015). Collection method: clinical testing. Allele origin: germline.
Comment: This sequence change replaces valine, which is neutral and non-polar, with isoleucine, which is neutral and non-polar, at codon 665 of the LAMB1 protein (p.Val665Ile). This variant is present in population databases (rs556735127, gnomAD 0.03%). This variant has not been reported in the literature in individuals affected with LAMB1-related conditions. ClinVar contains an entry for this variant (Variation ID: 1460813). An algorithm developed to predict the effect of missense changes on protein structure and function (PolyPhen-2) suggests that this variant is likely to be tolerated. In summary, the available evidence is currently insufficient to determine the role of this variant in disease. Therefore, it has been classified as a Variant of Uncertain Significance.

Ambry Genetics
Classification: Uncertain significance for Inborn genetic diseases. Last evaluated: 2023-06-29. Review status: criteria provided, single submitter. Criteria: Ambry Variant Classification Scheme 2023. Collection method: clinical testing. Allele origin: germline.

Breakthrough Genomics
Classification: Uncertain significance. Review status: criteria provided, single submitter. Criteria: ACMG Guidelines, 2015. Collection method: not provided. Allele origin: germline. Inheritance: Autosomal recessive inheritance. Affected: yes.

NM_002291.3(LAMB1):c.1993G>A (p.Val665Ile)

Gene: LAMB1 (laminin subunit beta 1; minus strand). Cytogenetic location: 7q31.1.
Variant type: single nucleotide variant.
Coding change: c.1993G>A on transcript NM_002291.3 (MANE Select); coding-DNA position 1993, G replaced by A.
Protein change: p.Val665Ile; replaces valine 665 with isoleucine.
Molecular consequence: missense variant.
Genome position (GRCh38, 1-based): chr7:107,961,322, C>T on the plus strand (G>A on the coding strand, the complement: LAMB1 is on the minus strand). VCF-style: chr7-107961322-C-T. GRCh37 (hg19) VCF-style: chr7-107601767-C-T.
Other names: c.1993G>A (NM_002291.2); short protein forms V665I.
Identifiers: ClinVar variation 1460813 (VCV001460813.7), dbSNP rs556735127, ClinGen allele CA4435784.